The following is an entry in ClinVar:

NM_006371.5(CRTAP):c.361C>T (p.Arg121Cys)

Gene: CRTAP (cartilage associated protein; plus strand). Cytogenetic location: 3p22.3.
Variant type: single nucleotide variant.
Coding change: c.361C>T on transcript NM_006371.5 (MANE Select); coding-DNA position 361, C replaced by T.
Protein change: p.Arg121Cys; replaces arginine 121 with cysteine.
Molecular consequence: missense variant.
Genome position (GRCh38, 1-based): chr3:33,114,438, C>T. VCF-style: chr3-33114438-C-T. GRCh37 (hg19) VCF-style: chr3-33155930-C-T.
Other names: c.361C>T, p.Arg121Cys (NM_001393363.1, NM_001393364.1, NM_001393365.1); short protein forms R121C.
Identifiers: ClinVar variation 1309327 (VCV001309327.3), dbSNP rs750500429, ClinGen allele CA2300251.

ClinVar aggregate classification (germline): Uncertain significance. Review status: criteria provided, multiple submitters, no conflicts (2 of 4 stars). 2 submissions from 2 submitters: Uncertain significance (2). Last evaluated 2024-03-15.

Conditions:
Inborn genetic diseases. Identifiers: MedGen C0950123, MeSH D030342.

Allele frequency attached by ClinVar (database versions not stated): gnomAD exomes below 0.00001 and 0.00001; gnomAD 0.00005 and 0.00006; TOPMed 0.00006.
gnomAD v4.1: 12 of 1,570,642 alleles (0.00076%); highest among the groups gnomAD compares: African/African-American, 0.014%; no homozygotes.

Submissions (2):

Ambry Genetics
Classification: Uncertain significance for Inborn genetic diseases. Last evaluated: 2024-03-15. Review status: criteria provided, single submitter. Criteria: Ambry Variant Classification Scheme 2023. Collection method: clinical testing. Allele origin: germline.

GeneDx
Classification: Uncertain significance. Last evaluated: 2019-10-11. Review status: criteria provided, single submitter. Criteria: GeneDx Variant Classification Process June 2021. Collection method: clinical testing. Allele origin: germline. Affected: yes.
Comment: In silico analysis, which includes protein predictors and evolutionary conservation, supports a deleterious effect; Has not been previously published as pathogenic or benign to our knowledge; In-silico analysis, which includes splice predictors and evolutionary conservation, is inconclusive as to whether the variant alters gene splicing. In the absence of RNA/functional studies, the actual effect of this sequence change is unknown.